The following is an entry in ClinVar:

ClinVar aggregate classification (germline): Likely pathogenic (1 of 4 stars; one submission).

Submission:

Labcorp Genetics (formerly Invitae), Labcorp
Classification: Likely pathogenic. Last evaluated: 2024-01-21. Review status: criteria provided, single submitter. Criteria: Invitae Variant Classification Sherloc (09022015). Collection method: clinical testing. Allele origin: germline.
Comment: This variant results in the deletion of part of exon 19 (c.2582_2587+1del) of the COL7A1 gene. It is expected to disrupt RNA splicing. Variants that disrupt the donor or acceptor splice site typically lead to a loss of protein function (PMID: 16199547), and loss-of-function variants in COL7A1 are known to be pathogenic (PMID: 16971478). This variant is not present in population databases (gnomAD no frequency). This variant has not been reported in the literature in individuals affected with COL7A1-related conditions. In summary, the currently available evidence indicates that the variant is pathogenic, but additional data are needed to prove that conclusively. Therefore, this variant has been classified as Likely Pathogenic.

Literature cited by the submitters: PubMed 16199547; PubMed 16971478.

NM_000094.4(COL7A1):c.2582_2587+1del

Gene: COL7A1 (collagen type VII alpha 1 chain; minus strand). Cytogenetic location: 3p21.31.
Variant type: Deletion.
Coding change: c.2582_2587+1del on transcript NM_000094.4 (MANE Select); coding-DNA position 2582 through the canonical splice donor site of the intron after coding-DNA position 2587, 7 bases deleted (CTACGCG; older notation c.2582_2587+1delCTACGCG).
Molecular consequence: splice donor variant.
Genome position (GRCh38, 1-based): chr3:48,588,641-48,588,647, CGCGTAG deleted on the plus strand (CTACGCG on the coding strand, the reverse complement: COL7A1 is on the minus strand). VCF-style (leftmost placement, unchanged base first): chr3-48588640-ACGCGTAG-A. GRCh37 (hg19) VCF-style: chr3-48626073-ACGCGTAG-A.
Identifiers: ClinVar variation 2741567 (VCV002741567.3), dbSNP rs2531257617, ClinGen allele CA2697550938.
Genomic context (GRCh38, chr3:48,588,640, plus strand): 5'-GCCCGGATCCCCAAACCATCCACACCACCCATCCGAAGCTCTCCAGCGCATGCTCTGCCT[ACGCGTAG>A]TGACAACAATGGAGACAGGTGTGCCCTCGCGGTCCCCGACAAGTGCAGTCACTCGCACTG-3'